The following is an entry in ClinVar:

ClinVar aggregate classification (germline): Uncertain significance (1 of 4 stars; one submission).

Conditions:
Glycogen storage disease, type II (IOPD). Also called: GLYCOGENOSIS, GENERALIZED, CARDIAC FORM; GSD II; Glycogen storage disease type 2; Acid maltase deficiency disease; Aglucosidase alfa; Deficiency of alpha-glucosidase. Identifiers: Orphanet 365, MedGen C0017921, MONDO:0009290, OMIM 232300.

Allele frequency attached by ClinVar (database versions not stated): TOPMed below 0.00001.
gnomAD v4.1: 3 of 1,612,866 alleles (0.00019%); highest among the groups gnomAD compares: Non-Finnish European, 0.00025%; no homozygotes.

Submission:

Labcorp Genetics (formerly Invitae), Labcorp
Classification: Uncertain significance for Glycogen storage disease, type II. Last evaluated: 2021-04-05. Review status: criteria provided, single submitter. Criteria: Invitae Variant Classification Sherloc (09022015). Collection method: clinical testing. Allele origin: germline.
Comment: In summary, the available evidence is currently insufficient to determine the role of this variant in disease. Therefore, it has been classified as a Variant of Uncertain Significance. Advanced modeling of protein sequence and biophysical properties (such as structural, functional, and spatial information, amino acid conservation, physicochemical variation, residue mobility, and thermodynamic stability) performed at Invitae indicates that this missense variant is not expected to disrupt GAA protein function. This variant has not been reported in the literature in individuals with GAA-related conditions. This variant is not present in population databases (ExAC no frequency). This sequence change replaces serine with alanine at codon 143 of the GAA protein (p.Ser143Ala). The serine residue is weakly conserved and there is a moderate physicochemical difference between serine and alanine.

NM_000152.5(GAA):c.427T>G (p.Ser143Ala)

Gene: GAA (alpha glucosidase; plus strand). Cytogenetic location: 17q25.3.
Variant type: single nucleotide variant.
Coding change: c.427T>G on transcript NM_000152.5 (MANE Select); coding-DNA position 427, T replaced by G.
Protein change: p.Ser143Ala; replaces serine 143 with alanine.
Molecular consequence: missense variant.
Genome position (GRCh38, 1-based): chr17:80,105,013, T>G. VCF-style: chr17-80105013-T-G. GRCh37 (hg19) VCF-style: chr17-78078812-T-G.
Other names: c.427T>G, p.Ser143Ala (NM_001079803.3, NM_001079804.3); short protein forms S143A.
Identifiers: ClinVar variation 1516069 (VCV001516069.8), dbSNP rs1423110429, ClinGen allele CA401361278.